The following is an entry in ClinVar:

NM_001903.5(CTNNA1):c.302-7A>G

Gene: CTNNA1 (catenin alpha 1; plus strand). Cytogenetic location: 5q31.2.
Variant type: single nucleotide variant.
Coding change: c.302-7A>G on transcript NM_001903.5 (MANE Select); 7 bases into the intron before coding-DNA position 302, A replaced by G.
Molecular consequence: intron variant.
Genome position (GRCh38, 1-based): chr5:138,810,031, A>G. VCF-style: chr5-138810031-A-G. GRCh37 (hg19) VCF-style: chr5-138145720-A-G.
Other names: c.302-7A>G (NM_001323982.2, NM_001323984.2, NM_001290307.3 and 4 more transcripts); c.-5-70A>G (NM_001290310.3); c.-8-7A>G (NM_001290309.3).
Identifiers: ClinVar variation 239065 (VCV000239065.14), dbSNP rs878854470, ClinGen allele CA10582402.

ClinVar aggregate classification (germline): Benign/Likely benign. Review status: criteria provided, multiple submitters, no conflicts (2 of 4 stars). 4 submissions from 4 submitters: Benign (1); Likely benign (3). Last evaluated 2026-01-19.

Conditions:
CTNNA1-related disorder. Also called: CTNNA1-related condition.
Hereditary diffuse gastric adenocarcinoma (HDGC). Also called: DIFFUSE GASTRIC AND LOBULAR BREAST CANCER SYNDROME. Identifiers: Orphanet 26106, MedGen C1708349, MONDO:0007648, OMIM 137215.

Allele frequency attached by ClinVar (database versions not stated): gnomAD exomes 0.00002 and 0.00006; gnomAD 0.00005 and 0.00006; TOPMed 0.00012.
gnomAD v4.1: 32 of 1,594,288 alleles (0.002%); highest among the groups gnomAD compares: Admixed American, 0.049%; no homozygotes.

Submissions (4):

Labcorp Genetics (formerly Invitae), Labcorp
Classification: Likely benign. Last evaluated: 2026-01-19. Review status: criteria provided, single submitter. Criteria: Invitae Variant Classification Sherloc (09022015). Collection method: clinical testing. Allele origin: germline.

PreventionGenetics, part of Exact Sciences
Classification: Likely benign for CTNNA1-related condition. Last evaluated: 2025-12-22. Review status: criteria provided, single submitter. Criteria: ACMG Guidelines, 2015. Collection method: clinical testing. Allele origin: germline.
Comment: This variant is classified as likely benign based on ACMG/AMP sequence variant interpretation guidelines (Richards et al. 2015 PMID: 25741868, with internal and published modifications).

Myriad Genetics, Inc.
Classification: Benign for Hereditary diffuse gastric adenocarcinoma. Last evaluated: 2025-11-12. Review status: criteria provided, single submitter. Criteria: Myriad Autosomal Dominant, Autosomal Recessive and X-Linked Classification Criteria (2023). Collection method: clinical testing. Allele origin: unknown.
Comment: This variant is considered benign. This variant is intronic and is not expected to impact mRNA splicing. Homozygosity has been confirmed in one or more individuals. As homozygosity for pathogenic variants in this gene is generally assumed to result in embryonic lethality, this variant is unlikely to be pathogenic.

Blueprint Genetics
Classification: Likely benign. Last evaluated: 2019-12-16. Review status: criteria provided, single submitter. Criteria: ACMG Guidelines, 2015. Collection method: clinical testing. Allele origin: germline.